The following is an entry in ClinVar:

ClinVar aggregate classification (germline): Uncertain significance (1 of 4 stars; one submission).

Submission:

Labcorp Genetics (formerly Invitae), Labcorp
Classification: Uncertain significance. Last evaluated: 2024-10-29. Review status: criteria provided, single submitter. Criteria: Invitae Variant Classification Sherloc (09022015). Collection method: clinical testing. Allele origin: germline.
Comment: This sequence change results in a frameshift in the ZNF687 gene (p.Leu1213Glnfs*32). While this is not anticipated to result in nonsense mediated decay, it is expected to disrupt the last 25 amino acid(s) of the ZNF687 protein and extend the protein by 6 additional amino acid residues. This variant is not present in population databases (gnomAD no frequency). This variant has not been reported in the literature in individuals affected with ZNF687-related conditions. ClinVar contains an entry for this variant (Variation ID: 2852545). Experimental studies and prediction algorithms are not available or were not evaluated, and the functional significance of this variant is currently unknown. In summary, the available evidence is currently insufficient to determine the role of this variant in disease. Therefore, it has been classified as a Variant of Uncertain Significance.

NM_020832.3(ZNF687):c.3638_3639del (p.Leu1213fs)

Gene: ZNF687 (zinc finger protein 687; plus strand). Cytogenetic location: 1q21.3.
Variant type: Deletion.
Coding change: c.3638_3639del on transcript NM_020832.3 (MANE Select); coding-DNA positions 3638 to 3639, 2 bases deleted (TA; older notation c.3638_3639delTA).
Protein change: p.Leu1213fs; shifts the reading frame from leucine 1213.
Molecular consequence: frameshift variant.
Genome position (GRCh38, 1-based): chr1:151,291,133-151,291,134, TA deleted. VCF-style (leftmost placement, unchanged base first): chr1-151291132-CTA-C. GRCh37 (hg19) VCF-style: chr1-151263608-CTA-C.
Other names: c.3638_3639del, p.Leu1213fs (NM_001304763.2, NM_001304764.2); short protein forms L1213fs.
Identifiers: ClinVar variation 2852545 (VCV002852545.3), dbSNP rs2528556492, ClinGen allele CA2739275257.
Genomic context (GRCh38, chr1:151,291,132, plus strand): 5'-CTGCCTGCTTCTGGAGGCCCACTGACCTGTAAGGTCTGTGGCAAGAGCTGCGACAGCCCT[CTA>C]AACCTCAAGACCCACTTCCGCACGCATGGCATGGCGTTCATCAGGGCTCGGCAGGGGGCT-3'